The following is an entry in ClinVar:

ClinVar aggregate classification (germline): Likely benign. Review status: criteria provided, multiple submitters, no conflicts (2 of 4 stars). 3 submissions from 3 submitters: Likely benign (3). Last evaluated 2026-03-01.

Conditions:
Hypertrophic cardiomyopathy 14. Identifiers: MedGen C2750467, MONDO:0013197, OMIM 613251.

gnomAD v4.1: 20 of 1,613,996 alleles (0.0012%); highest among the groups gnomAD compares: Non-Finnish European, 0.0015%; no homozygotes.

Submissions (3):

CeGaT Center for Human Genetics Tuebingen
Classification: Likely benign. Last evaluated: 2026-03-01. Review status: criteria provided, single submitter. Criteria: CeGaT Center For Human Genetics Tuebingen Variant Classification Criteria Version 2. Collection method: clinical testing. Allele origin: germline. Affected: yes. Observed: 1 variant allele.
Comment: MYH6: BP4, BP7

Labcorp Genetics (formerly Invitae), Labcorp
Classification: Likely benign for Hypertrophic cardiomyopathy 14. Last evaluated: 2025-06-24. Review status: criteria provided, single submitter. Criteria: Invitae Variant Classification Sherloc (09022015). Collection method: clinical testing. Allele origin: germline.

Blueprint Genetics
Classification: Likely benign. Last evaluated: 2022-06-10. Review status: criteria provided, single submitter. Criteria: ACMG Guidelines, 2015. Collection method: clinical testing. Allele origin: germline.

NM_002471.4(MYH6):c.4515G>A (p.Lys1505=)

Gene: MYH6 (myosin heavy chain 6; minus strand). Cytogenetic location: 14q11.2.
Variant type: single nucleotide variant.
Coding change: c.4515G>A on transcript NM_002471.4 (MANE Select); coding-DNA position 4515, G replaced by A.
Protein change: p.Lys1505=; no amino-acid change (lysine 1505 retained).
Molecular consequence: synonymous variant.
Genome position (GRCh38, 1-based): chr14:23,387,768, C>T on the plus strand (G>A on the coding strand, the complement: MYH6 is on the minus strand). VCF-style: chr14-23387768-C-T. GRCh37 (hg19) VCF-style: chr14-23856977-C-T.
Identifiers: ClinVar variation 4753472 (VCV004753472.6).
Genomic context (GRCh38, chr14:23,387,768, plus strand): 5'-GGCCCTCCCTCCCACCAACTCATCTCTGGCCTCTTGGACCCCCAGCACACCCTGAAGGTT[C>T]TTGTTCTCCCGCTTGAAGGTCTCTAGGTGCTCCAGGGACTCCTCGTAGGCGTTCTTGAGC-3'
Protein context (NP_002462.2, residues 1495-1515): EHLETFKREN[Lys1505=]NLQEEISDLT